The following is an entry in ClinVar:

NM_001715.3(BLK):c.554G>T (p.Gly185Val)

Genes: BLK (BLK proto-oncogene, Src family tyrosine kinase), BLK-AS1 (BLK antisense RNA 1). Cytogenetic location: 8p23.1.
Variant type: single nucleotide variant.
Coding change: c.554G>T on transcript NM_001715.3 (MANE Select); coding-DNA position 554, G replaced by T.
Protein change: p.Gly185Val; replaces glycine 185 with valine.
Molecular consequence: missense variant.
Genome position (GRCh38, 1-based): chr8:11,554,824, G>T. VCF-style: chr8-11554824-G-T. GRCh37 (hg19) VCF-style: chr8-11412333-G-T.
Other names: c.341G>T, p.Gly114Val (NM_001330465.2); short protein forms G185V, G114V.
Identifiers: ClinVar variation 2964970 (VCV002964970.3), dbSNP rs755705290, ClinGen allele CA4629948.

ClinVar aggregate classification (germline): Uncertain significance (1 of 4 stars; one submission).

Allele frequency attached by ClinVar (database versions not stated): ExAC 0.00001; TOPMed 0.00002; gnomAD 0.00003.
gnomAD v4.1: 49 of 1,613,900 alleles (0.003%); highest among the groups gnomAD compares: Non-Finnish European, 0.0039%; no homozygotes.

Submission:

Labcorp Genetics (formerly Invitae), Labcorp
Classification: Uncertain significance. Last evaluated: 2023-04-24. Review status: criteria provided, single submitter. Criteria: Invitae Variant Classification Sherloc (09022015). Collection method: clinical testing. Allele origin: germline.
Comment: This sequence change replaces glycine, which is neutral and non-polar, with valine, which is neutral and non-polar, at codon 185 of the BLK protein (p.Gly185Val). In summary, the available evidence is currently insufficient to determine the role of this variant in disease. Therefore, it has been classified as a Variant of Uncertain Significance. An algorithm developed to predict the effect of missense changes on protein structure and function (PolyPhen-2) suggests that this variant is likely to be disruptive. This variant has not been reported in the literature in individuals affected with BLK-related conditions. This variant is present in population databases (rs755705290, gnomAD 0.004%).